The following is an entry in ClinVar:

ClinVar aggregate classification (germline): Uncertain significance (1 of 4 stars; one submission).

Submission:

Labcorp Genetics (formerly Invitae), Labcorp
Classification: Uncertain significance. Last evaluated: 2022-11-04. Review status: criteria provided, single submitter. Criteria: Invitae Variant Classification Sherloc (09022015). Collection method: clinical testing. Allele origin: germline.
Comment: This sequence change replaces alanine, which is neutral and non-polar, with glycine, which is neutral and non-polar, at codon 644 of the NEDD4L protein (p.Ala644Gly). In summary, the available evidence is currently insufficient to determine the role of this variant in disease. Therefore, it has been classified as a Variant of Uncertain Significance. Advanced modeling of protein sequence and biophysical properties (such as structural, functional, and spatial information, amino acid conservation, physicochemical variation, residue mobility, and thermodynamic stability) performed at Invitae indicates that this missense variant is not expected to disrupt NEDD4L protein function. This variant has not been reported in the literature in individuals affected with NEDD4L-related conditions. This variant is not present in population databases (gnomAD no frequency).

NM_001144967.3(NEDD4L):c.1991C>G (p.Ala664Gly)

Gene: NEDD4L (NEDD4 like E3 ubiquitin protein ligase; plus strand). Cytogenetic location: 18q21.31.
Variant type: single nucleotide variant.
Coding change: c.1991C>G on transcript NM_001144967.3 (MANE Select); coding-DNA position 1991, C replaced by G.
Protein change: p.Ala664Gly; replaces alanine 664 with glycine.
Molecular consequence: missense variant.
Genome position (GRCh38, 1-based): chr18:58,366,156, C>G. VCF-style: chr18-58366156-C-G. GRCh37 (hg19) VCF-style: chr18-56033388-C-G.
Other names: c.1628C>G, p.Ala543Gly (NM_001144964.1, NM_001144965.2, NM_001144966.3); c.1967C>G, p.Ala656Gly (NM_001144968.2); c.1907C>G, p.Ala636Gly (NM_001144969.2); c.1568C>G, p.Ala523Gly (NM_001144970.3, NM_001144971.2); c.1799C>G, p.Ala600Gly (NM_001243960.2); c.1931C>G, p.Ala644Gly (NM_015277.6); short protein forms A636G, A644G, A664G, A523G, A543G, A600G, A656G.
Identifiers: ClinVar variation 2812050 (VCV002812050.3), dbSNP rs2517670750, ClinGen allele CA402547791.